The following is an entry in ClinVar:

ClinVar aggregate classification (germline): Uncertain significance. Review status: criteria provided, multiple submitters, no conflicts (2 of 4 stars). 3 submissions from 3 submitters: Uncertain significance (3). Last evaluated 2026-04-08.

Conditions:
TNXB-related disorder. Also called: TNXB-related condition.

Allele frequency attached by ClinVar (database versions not stated): gnomAD exomes 0.00001; gnomAD 0.00009; TOPMed 0.00009.

Submissions (3):

Women's Health and Genetics/Laboratory Corporation of America, LabCorp
Classification: Uncertain significance. Last evaluated: 2026-04-08. Review status: criteria provided, single submitter. Criteria: LabCorp Variant Classification Summary - May 2015. Collection method: clinical testing. Allele origin: germline.
Comment: Variant summary: TNXB c.5314C>T (p.Arg1772Cys) results in a non-conservative amino acid change in the encoded protein sequence. Algorithms developed to predict the effect of missense changes on protein structure and function are either unavailable or do not agree on the potential impact of this missense change. The variant allele was found at a frequency of 4.1e-06 in 246134 control chromosomes. The available data on variant occurrences in the general population are insufficient to allow any conclusion about variant significance. To our knowledge, no occurrence of c.5314C>T in individuals affected with TNXB-related conditions and no experimental evidence demonstrating its impact on protein function have been reported. ClinVar contains an entry for this variant (Variation ID: 1703952). Based on the evidence outlined above, the variant was classified as uncertain significance.

PreventionGenetics, part of Exact Sciences
Classification: Uncertain significance for TNXB-related condition. Last evaluated: 2023-02-03. Review status: criteria provided, single submitter. Criteria: ACMG Guidelines, 2015. Collection method: clinical testing. Allele origin: germline.
Comment: The TNXB c.5314C>T variant is predicted to result in the amino acid substitution p.Arg1772Cys. To our knowledge, this variant has not been reported in the literature. This variant is reported in 0.021% of alleles in individuals of African descent in gnomAD. At this time, the clinical significance of this variant is uncertain due to the absence of conclusive functional and genetic evidence.

GeneDx
Classification: Uncertain significance. Last evaluated: 2022-03-04. Review status: criteria provided, single submitter. Criteria: GeneDx Variant Classification Process June 2021. Collection method: clinical testing. Allele origin: germline. Affected: yes.
Comment: Has not been previously published as pathogenic or benign to our knowledge; In silico analysis supports that this missense variant has a deleterious effect on protein structure/function

NM_001365276.2(TNXB):c.5314C>T (p.Arg1772Cys)

Gene: TNXB (tenascin XB; minus strand). Cytogenetic location: 6p21.33.
Variant type: single nucleotide variant.
Coding change: c.5314C>T on transcript NM_001365276.2 (MANE Select); coding-DNA position 5314, C replaced by T.
Protein change: p.Arg1772Cys; replaces arginine 1772 with cysteine.
Molecular consequence: missense variant.
Genome position (GRCh38, 1-based): chr6:32,069,826, G>A on the plus strand (C>T on the coding strand, the complement: TNXB is on the minus strand). VCF-style: chr6-32069826-G-A. GRCh37 (hg19) VCF-style: chr6-32037603-G-A.
Other names: c.5314C>T, p.Arg1772Cys (NM_019105.8); short protein forms R1772C.
Identifiers: ClinVar variation 1703952 (VCV001703952.4), dbSNP rs540179287, ClinGen allele CA136888098.
Genomic context (GRCh38, chr6:32,069,826, plus strand): 5'-CGGAGTTCTGGGTCACGGTGGTCACCTGCAGCTCCTCCCCCAGACGGGGTTTTGGGGGAC[G>A]CTTTGTTCCAGTATCATCCATAGCACTCCGGGCTTCTGAGATGGAGACACGGAGAGGAAA-3'
Protein context (NP_001352205.1, residues 1762-1782): RSAMDDTGTK[Arg1772Cys]PPKPRLGEEL